The following is an entry in ClinVar:

ClinVar aggregate classification (germline): Benign/Likely benign. Review status: criteria provided, multiple submitters, no conflicts (2 of 4 stars). 5 submissions from 5 submitters: Benign (2); Likely benign (2). 1 of the submissions does not count toward it. Last evaluated 2026-02-01.

Conditions:
NUP85-related disorder. Also called: NUP85-related condition.

Allele frequency attached by ClinVar (database versions not stated): 1000 Genomes Project 0.00020; 1000 Genomes Project 30x 0.00047; ExAC 0.00180; ESP Exome Variant Server 0.00192.
gnomAD v4.1: 3,677 of 1,612,704 alleles (0.23%); highest among the groups gnomAD compares: Middle Eastern, 0.28%; 7 homozygotes.

Submissions (5):

CeGaT Center for Human Genetics Tuebingen
Classification: Likely benign. Last evaluated: 2026-02-01. Review status: criteria provided, single submitter. Criteria: CeGaT Center For Human Genetics Tuebingen Variant Classification Criteria Version 2. Collection method: clinical testing. Allele origin: germline. Affected: yes. Observed: 1 variant allele.
Comment: NUP85: BP4, BP7

Labcorp Genetics (formerly Invitae), Labcorp
Classification: Benign. Last evaluated: 2026-01-25. Review status: criteria provided, single submitter. Criteria: Invitae Variant Classification Sherloc (09022015). Collection method: clinical testing. Allele origin: germline.

Blueprint Genetics
Classification: Likely benign. Last evaluated: 2024-11-26. Review status: criteria provided, single submitter. Criteria: ACMG Guidelines, 2015. Collection method: clinical testing. Allele origin: germline.

Mayo Clinic Laboratories, Mayo Clinic
Classification: Benign. Last evaluated: 2024-02-09. Review status: criteria provided, single submitter. Criteria: ACMG Guidelines, 2015. Collection method: clinical testing. Allele origin: germline. Observed: 2 variant alleles.
Comment: BS1, BP4, BP7

PreventionGenetics, part of Exact Sciences
Classification: Likely benign for NUP85-related condition. Last evaluated: 2019-10-23. Review status: no assertion criteria provided. Collection method: clinical testing. Allele origin: germline. Not counted in ClinVar's aggregate classification.
Comment: This variant is classified as likely benign based on ACMG/AMP sequence variant interpretation guidelines (Richards et al. 2015 PMID: 25741868, with internal and published modifications).

NM_024844.5(NUP85):c.1857C>T (p.Thr619=)

Gene: NUP85 (nucleoporin 85; plus strand). Cytogenetic location: 17q25.1.
Variant type: single nucleotide variant.
Coding change: c.1857C>T on transcript NM_024844.5 (MANE Select); coding-DNA position 1857, C replaced by T.
Protein change: p.Thr619=; no amino-acid change (threonine 619 retained).
Molecular consequence: synonymous variant.
Genome position (GRCh38, 1-based): chr17:75,235,189, C>T. VCF-style: chr17-75235189-C-T. GRCh37 (hg19) VCF-style: chr17-73231284-C-T.
Other names: p.Thr619=; c.1719C>T, p.Thr573= (NM_001303276.2); c.1722C>T, p.Thr574= (NM_001330472.2); c.1857C>T (NM_024844.4).
Identifiers: ClinVar variation 2045028 (VCV002045028.12), dbSNP rs142085095, ClinGen allele CA8759063.
Genomic context (GRCh38, chr17:75,235,189, plus strand): 5'-GTTGATGCGGTGTCTGGAGGACTTGACGTCAAGAAGACCTGTGCATGGAGAATCTGATAC[C>T]GAGCAGCTCCAGGTCATTTTCACTTTTGGGTTGATGGTTCCACATGGAGGTGGGAAAAGG-3'
Protein context (NP_079120.1, residues 609-629): SRRPVHGESD[Thr619=]EQLQDDDIET